The following is an entry in ClinVar:

NM_000214.3(JAG1):c.2162A>G (p.Tyr721Cys)

Gene: JAG1 (jagged canonical Notch ligand 1; minus strand). Cytogenetic location: 20p12.2.
Variant type: single nucleotide variant.
Coding change: c.2162A>G on transcript NM_000214.3 (MANE Select); coding-DNA position 2162, A replaced by G.
Protein change: p.Tyr721Cys; replaces tyrosine 721 with cysteine.
Molecular consequence: missense variant.
Genome position (GRCh38, 1-based): chr20:10,645,208, T>C on the plus strand (A>G on the coding strand, the complement: JAG1 is on the minus strand). VCF-style: chr20-10645208-T-C. GRCh37 (hg19) VCF-style: chr20-10625856-T-C.
Other names: short protein forms Y721C.
Identifiers: ClinVar variation 4772755 (VCV004772755.1).
Genomic context (GRCh38, chr20:10,645,208, plus strand): 5'-TTACAGGTTGTTCCTTCCCAGCCGCCAGGACACATGCACTTAAAAGCATCCCCCTCATCA[T>C]AGCAGGTGCCACCGTTGTTGCACGTGGCCTCATCACACTGACTGTCACCTGGAGGAAAAT-3'
Protein context (NP_000205.1, residues 711-731): EATCNNGGTC[Tyr721Cys]DEGDAFKCMC

ClinVar aggregate classification (germline): Uncertain significance (1 of 4 stars; one submission).

Conditions:
Alagille syndrome due to a JAG1 point mutation. Also called: Alagille Syndrome 1; JAG1-Related Alagille Syndrome; HEPATIC DUCTULAR HYPOPLASIA, SYNDROMATIC. Identifiers: Orphanet 261619, Orphanet 52, MedGen C1956125, MONDO:0016862, OMIM 118450.

Submission:

Labcorp Genetics (formerly Invitae), Labcorp
Classification: Uncertain significance for Alagille syndrome due to a JAG1 point mutation. Last evaluated: 2025-10-09. Review status: criteria provided, single submitter. Criteria: Invitae Variant Classification Sherloc (09022015). Collection method: clinical testing. Allele origin: germline.
Comment: This sequence change replaces tyrosine, which is neutral and polar, with cysteine, which is neutral and slightly polar, at codon 721 of the JAG1 protein (p.Tyr721Cys). This variant is not present in population databases (gnomAD no frequency). This variant has not been reported in the literature in individuals affected with JAG1-related conditions. Invitae Evidence Modeling of protein sequence and biophysical properties (such as structural, functional, and spatial information, amino acid conservation, physicochemical variation, residue mobility, and thermodynamic stability) indicates that this missense variant is not expected to disrupt JAG1 protein function with a negative predictive value of 95%. In summary, the available evidence is currently insufficient to determine the role of this variant in disease. Therefore, it has been classified as a Variant of Uncertain Significance.